The following is an entry in ClinVar:

ClinVar aggregate classification (germline): Uncertain significance (1 of 4 stars; one submission).

Conditions:
Developmental and epileptic encephalopathy, 31A. Also called: Epileptic encephalopathy, early infantile, 31; Developmental and epileptic encephalopathy, 31. Identifiers: Orphanet 2382, MedGen C4225357, MONDO:0014598, OMIM 616346.

Submission:

Labcorp Genetics (formerly Invitae), Labcorp
Classification: Uncertain significance for Developmental and epileptic encephalopathy, 31A. Last evaluated: 2023-07-25. Review status: criteria provided, single submitter. Criteria: Invitae Variant Classification Sherloc (09022015). Collection method: clinical testing. Allele origin: germline.
Comment: This sequence change affects a splice site in intron 21 of the DNM1 gene. While this variant is not anticipated to result in nonsense mediated decay, it likely alters RNA splicing and results in a disrupted protein product. This variant is not present in population databases (gnomAD no frequency). This variant has not been reported in the literature in individuals affected with DNM1-related conditions. Variants that disrupt the consensus splice site are a relatively common cause of aberrant splicing (PMID: 17576681, 9536098). Algorithms developed to predict the effect of sequence changes on RNA splicing suggest that this variant may disrupt the consensus splice site. This variant disrupts a region of the DNM1 protein in which other variant(s) (p.Pro861Ala) have been observed in individuals with DNM1-related conditions (Invitae). This suggests that this is a clinically significant region of the protein, and that variants that disrupt it are likely to be disease-causing. In summary, the available evidence is currently insufficient to determine the role of this variant in disease. Therefore, it has been classified as a Variant of Uncertain Significance.

Literature cited by the submitters: PubMed 17576681; PubMed 9536098.

NM_004408.4(DNM1):c.2534+1dup

Gene: DNM1 (dynamin 1; plus strand). Cytogenetic location: 9q34.11.
Variant type: Duplication.
Coding change: c.2534+1dup on transcript NM_004408.4 (MANE Select); the canonical splice donor site of the intron after coding-DNA position 2534, one base duplicated (G; older notation c.2534+1dupG).
Molecular consequence: splice donor variant.
Genome position (GRCh38, 1-based): chr9:128,250,941, G duplicated; the last of 2 consecutive G bases (chr9:128,250,940-128,250,941); duplicating either gives the same sequence. VCF-style (leftmost placement, unchanged base first): chr9-128250939-A-AG. GRCh37 (hg19) VCF-style: chr9-131013218-A-AG.
Other names: c.2534+1dup (NM_001005336.3, NM_001374269.1, NM_001288738.2 and 2 more transcripts).
Identifiers: ClinVar variation 2746457 (VCV002746457.3), dbSNP rs2539128855, ClinGen allele CA2697558074.